The following is an entry in ClinVar:

NM_133497.4(KCNV2):c.1386C>T (p.Asp462=)

Gene: KCNV2 (potassium voltage-gated channel modifier subfamily V member 2; plus strand). Cytogenetic location: 9p24.2.
Variant type: single nucleotide variant.
Coding change: c.1386C>T on transcript NM_133497.4 (MANE Select); coding-DNA position 1386, C replaced by T.
Protein change: p.Asp462=; no amino-acid change (aspartic acid 462 retained).
Molecular consequence: synonymous variant.
Genome position (GRCh38, 1-based): chr9:2,729,475, C>T. VCF-style: chr9-2729475-C-T. GRCh37 (hg19) VCF-style: chr9-2729475-C-T.
Identifiers: ClinVar variation 262359 (VCV000262359.15), dbSNP rs41312842, ClinGen allele CA4965907.
Genomic context (GRCh38, chr9:2,729,475, plus strand): 5'-ACAATTCCATCCTGCTTTCCTTCCTCTACAGGTGAGCATCTCCACCGTGGGCTACGGAGA[C>T]ATGTACCCAGAGACCCACCTGGGCAGGTTTTTTGCCTTCCTCTGCATTGCTTTTGGGATC-3'
Protein context (NP_598004.1, residues 452-472): AVSISTVGYG[Asp462=]MYPETHLGRF

ClinVar aggregate classification (germline): Benign. Review status: criteria provided, multiple submitters, no conflicts (2 of 4 stars). 4 submissions from 4 submitters: Benign (4). Last evaluated 2026-02-03.

Conditions:
Cone dystrophy with supernormal rod response (CDSRR). Also called: CONE DYSTROPHY WITH SUPERNORMAL ROD RESPONSES. Identifiers: Orphanet 209932, MedGen C1835897, MONDO:0012475, OMIM 610356.

Allele frequency attached by ClinVar (database versions not stated): 1000 Genomes Project 0.04633; 1000 Genomes Project 30x 0.05012; gnomAD 0.06369 and 0.06296; gnomAD exomes 0.07454; ESP Exome Variant Server 0.06251; TOPMed 0.06471; ExAC 0.07208.
gnomAD v4.1: 113,382 of 1,613,786 alleles (7%); highest among the groups gnomAD compares: Admixed American, 13%; 4,479 homozygotes.

Submissions (4):

Labcorp Genetics (formerly Invitae), Labcorp
Classification: Benign. Last evaluated: 2026-02-03. Review status: criteria provided, single submitter. Criteria: Invitae Variant Classification Sherloc (09022015). Collection method: clinical testing. Allele origin: germline.

Illumina Laboratory Services, Illumina
Classification: Benign for Cone dystrophy with supernormal rod response. Last evaluated: 2018-01-13. Review status: criteria provided, single submitter. Criteria: ICSL Variant Classification Criteria 13 December 2019. Collection method: clinical testing. Allele origin: germline.
Comment: This variant was observed in the ICSL laboratory as part of a predisposition screen in an ostensibly healthy population. It had not been previously curated by ICSL or reported in the Human Gene Mutation Database (HGMD: prior to June 1st, 2018), and was therefore a candidate for classification through an automated scoring system. Utilizing variant allele frequency, disease prevalence and penetrance estimates, and inheritance mode, an automated score was calculated to assess if this variant is too frequent to cause the disease. Based on the score and internal cut-off values, a variant classified as benign is not then subjected to further curation. The score for this variant resulted in a classification of benign for this disease.

Breakthrough Genomics
Classification: Benign. Review status: criteria provided, single submitter. Criteria: ACMG Guidelines, 2015. Collection method: not provided. Allele origin: germline. Inheritance: Autosomal recessive inheritance. Affected: yes.

PreventionGenetics, part of Exact Sciences
Classification: Benign. Review status: criteria provided, single submitter. Criteria: ACMG Guidelines, 2015. Collection method: clinical testing. Allele origin: germline.